The following is an entry in ClinVar:

NM_000059.4(BRCA2):c.7582_7583insA (p.Gly2528fs)

Gene: BRCA2 (BRCA2 DNA repair associated; plus strand). Cytogenetic location: 13q13.1.
Variant type: Insertion.
Coding change: c.7582_7583insA on transcript NM_000059.4 (MANE Select); coding-DNA positions 7582 to 7583, A inserted.
Protein change: p.Gly2528fs; shifts the reading frame from glycine 2528.
Molecular consequence: frameshift variant. On other transcripts: non-coding transcript variant (1).
Genome position: GRCh38 VCF-style: chr13-32356574-G-GA. GRCh37 (hg19) VCF-style: chr13-32930711-G-GA.
Other names: c.7486_7487insA, p.Gly2496fs (NM_001406719.1); c.7582_7583insA, p.Gly2528fs (NM_001406720.1); c.2650_2651insA, p.Gly884fs (NM_001406721.1); c.1165_1166insA, p.Gly389fs (NM_001406722.1); short protein forms G2496fs, G2528fs, G389fs, G884fs.
Identifiers: ClinVar variation 3075790 (VCV003075790.1), dbSNP rs2548541644, ClinGen allele CA2622571701.

ClinVar aggregate classification (germline): Likely pathogenic (1 of 4 stars; one submission).

Conditions:
Hereditary breast ovarian cancer syndrome. Also called: Hereditary breast and ovarian cancer syndrome; Hereditary breast and ovarian cancer; Hereditary breast and ovarian cancer syndrome (HBOC); Breast and ovarian cancer; Hereditary breast and/or ovarian cancer syndrome; BRCA1- and BRCA2-Associated Hereditary Breast and Ovarian Cancer. Identifiers: Orphanet 145, MedGen C0677776, MeSH D061325, MONDO:0003582. Disease mechanism: loss of function.

Allele frequency attached by ClinVar (database versions not stated): gnomAD exomes below 0.00001.

Submission:

Laboratory for Molecular Medicine, Mass General Brigham Personalized Medicine
Classification: Likely pathogenic for Hereditary breast ovarian cancer syndrome. Last evaluated: 2019-10-14. Review status: criteria provided, single submitter. Criteria: ACMG Guidelines, 2015. Collection method: clinical testing. Allele origin: germline.
Comment: The p.Gly2528GlufsX11 variant in BRCA2 has not been previously reported in individuals with hereditary breast and/or ovarian cancer (HBOC) and was absent from large population studies. This variant is predicted to cause a frameshift, which alters the protein’s amino acid sequence beginning at position 2528 and leads to a premature termination codon 11 amino acids downstream. This alteration is then predicted to lead to a truncated or absent protein. Loss of function of the BRCA2 gene is an established disease mechanism in autosomal dominant HBOC. In summary, although additional studies are required to fully establish its clinical significance, this variant meets criteria to be classified as likely pathogenic for autosomal dominant HBOC. ACMG/AMP Criteria applied: PVS1, PM2.